The following is an entry in ClinVar:

ClinVar aggregate classification (germline): Uncertain significance. Review status: criteria provided, multiple submitters, no conflicts (2 of 4 stars). 2 submissions from 2 submitters: Uncertain significance (2). Last evaluated 2022-06-15.

Conditions:
Inborn genetic diseases. Identifiers: MedGen C0950123, MeSH D030342.
Epilepsy. Also called: Seizure disorder. Identifiers: MedGen C0014544, MeSH D004827, MONDO:0005027.

Allele frequency attached by ClinVar (database versions not stated): gnomAD exomes 0.00001; TOPMed 0.00001; gnomAD 0.00001.
gnomAD v4.1: 13 of 1,607,678 alleles (0.00081%); highest among the groups gnomAD compares: Admixed American, 0.0033%; no homozygotes.

Submissions (2):

Labcorp Genetics (formerly Invitae), Labcorp
Classification: Uncertain significance for Epilepsy. Last evaluated: 2022-06-15. Review status: criteria provided, single submitter. Criteria: Invitae Variant Classification Sherloc (09022015). Collection method: clinical testing. Allele origin: germline.
Comment: ClinVar contains an entry for this variant (Variation ID: 946588). In summary, the available evidence is currently insufficient to determine the role of this variant in disease. Therefore, it has been classified as a Variant of Uncertain Significance. Algorithms developed to predict the effect of missense changes on protein structure and function output the following: SIFT: "Tolerated"; PolyPhen-2: "Benign"; Align-GVGD: "Class C0". The methionine amino acid residue is found in multiple mammalian species, which suggests that this missense change does not adversely affect protein function. This variant has not been reported in the literature in individuals affected with PIGQ-related conditions. The frequency data for this variant in the population databases is considered unreliable, as metrics indicate poor data quality at this position in the gnomAD database. This sequence change replaces valine, which is neutral and non-polar, with methionine, which is neutral and non-polar, at codon 196 of the PIGQ protein (p.Val196Met).

Ambry Genetics
Classification: Uncertain significance for Inborn genetic diseases. Last evaluated: 2022-04-13. Review status: criteria provided, single submitter. Criteria: Ambry Variant Classification Scheme 2023. Collection method: clinical testing. Allele origin: germline.

NM_004204.5(PIGQ):c.586G>A (p.Val196Met)

Gene: PIGQ (phosphatidylinositol glycan anchor biosynthesis class Q; plus strand). Cytogenetic location: 16p13.3.
Variant type: single nucleotide variant.
Coding change: c.586G>A on transcript NM_004204.5 (MANE Select); coding-DNA position 586, G replaced by A.
Protein change: p.Val196Met; replaces valine 196 with methionine.
Molecular consequence: missense variant.
Genome position (GRCh38, 1-based): chr16:574,660, G>A. VCF-style: chr16-574660-G-A. GRCh37 (hg19) VCF-style: chr16-624660-G-A.
Other names: c.586G>A, p.Val196Met (NM_148920.4); c.586G>A (NM_148920.1); short protein forms V196M.
Identifiers: ClinVar variation 946588 (VCV000946588.8), dbSNP rs980584148, ClinGen allele CA276482286.
Genomic context (GRCh38, chr16:574,660, plus strand): 5'-TTCCGCAGTGACCGCTTTGATGAGGGCCCCGTGCGGCTGAGCCACTGGCAGTCGGAGGGC[G>A]TGGAGGCCAGCATCCTCGCGGAGCTGGCCAGGCGAGCCTCGGGACCCATTTGCCTGCTGT-3'
Protein context (NP_004195.2, residues 186-206): VRLSHWQSEG[Val196Met]EASILAELAR